The following is an entry in ClinVar:

ClinVar aggregate classification (germline): Benign. Review status: criteria provided, multiple submitters, no conflicts (2 of 4 stars). 3 submissions from 3 submitters: Benign (3). Last evaluated 2024-03-21.

Allele frequency attached by ClinVar (database versions not stated): gnomAD exomes 0.00190 and 0.00085; gnomAD 0.00854 and 0.00907; 1000 Genomes Project 0.00859; ExAC 0.00394; 1000 Genomes Project 30x 0.00890; ESP Exome Variant Server 0.00952; TOPMed 0.00962.
gnomAD v4.1: 2,617 of 1,562,734 alleles (0.17%); highest among the groups gnomAD compares: African/African-American, 2.8%; 35 homozygotes.

Submissions (3):

Mayo Clinic Laboratories, Mayo Clinic
Classification: Benign. Last evaluated: 2024-03-21. Review status: criteria provided, single submitter. Criteria: ACMG Guidelines, 2015. Collection method: clinical testing. Allele origin: germline. Observed: 6 variant alleles.
Comment: BS1, BS2, BP4

Labcorp Genetics (formerly Invitae), Labcorp
Classification: Benign. Last evaluated: 2019-12-31. Review status: criteria provided, single submitter. Criteria: Invitae Variant Classification Sherloc (09022015). Collection method: clinical testing. Allele origin: germline.

Breakthrough Genomics
Classification: Benign. Review status: criteria provided, single submitter. Criteria: ACMG Guidelines, 2015. Collection method: not provided. Allele origin: germline. Inheritance: Autosomal recessive inheritance. Affected: yes.

NM_002226.5(JAG2):c.2851G>A (p.Ala951Thr)

Gene: JAG2 (jagged canonical Notch ligand 2; minus strand). Cytogenetic location: 14q32.33.
Variant type: single nucleotide variant.
Coding change: c.2851G>A on transcript NM_002226.5 (MANE Select); coding-DNA position 2851, G replaced by A.
Protein change: p.Ala951Thr; replaces alanine 951 with threonine.
Molecular consequence: missense variant.
Genome position (GRCh38, 1-based): chr14:105,145,832, C>T on the plus strand (G>A on the coding strand, the complement: JAG2 is on the minus strand). VCF-style: chr14-105145832-C-T. GRCh37 (hg19) VCF-style: chr14-105612169-C-T.
Other names: p.Ala951Thr; c.2737G>A, p.Ala913Thr (NM_145159.3); short protein forms A951T, A913T.
Identifiers: ClinVar variation 787420 (VCV000787420.6), dbSNP rs145737381, ClinGen allele CA7385427.
Genomic context (GRCh38, chr14:105,145,832, plus strand): 5'-CACAGTTATTGTCCAGGTGGCCGGAGCGTGGCAGGCAGGGGGTGCTCGGTGGCTCTTCTG[C>T]GCCGCACTCCCCCCAGGCCTCACAGGGTGGTCGCAGACACTGGCCTGGGGCCTTCTCCAG-3'
Protein context (NP_002217.3, residues 941-961): PPCEAWGECG[Ala951Thr]EEPPSTPCLP